The following is an entry in ClinVar:

NM_032043.3(BRIP1):c.334A>G (p.Ser112Gly)

Gene: BRIP1 (BRCA1 interacting DNA helicase 1; minus strand). Cytogenetic location: 17q23.2.
Variant type: single nucleotide variant.
Coding change: c.334A>G on transcript NM_032043.3 (MANE Select); coding-DNA position 334, A replaced by G.
Protein change: p.Ser112Gly; replaces serine 112 with glycine.
Molecular consequence: missense variant.
Genome position (GRCh38, 1-based): chr17:61,857,103, T>C on the plus strand (A>G on the coding strand, the complement: BRIP1 is on the minus strand). VCF-style: chr17-61857103-T-C. GRCh37 (hg19) VCF-style: chr17-59934464-T-C.
Other names: short protein forms S112G.
Identifiers: ClinVar variation 928042 (VCV000928042.4), dbSNP rs1869938974, ClinGen allele CA400485347.

ClinVar aggregate classification (germline): Uncertain significance (1 of 4 stars; one submission).

Conditions:
Hereditary cancer-predisposing syndrome. Also called: Neoplastic Syndromes, Hereditary; Hereditary Cancer Syndrome; Tumor predisposition; Hereditary neoplastic syndrome. Identifiers: Orphanet 140162, MedGen C0027672, MeSH D009386, MONDO:0015356.

Submission:

Color Diagnostics, LLC DBA Color Health
Classification: Uncertain significance for Hereditary cancer-predisposing syndrome. Last evaluated: 2023-12-04. Review status: criteria provided, single submitter. Criteria: ACMG Guidelines, 2015. Collection method: clinical testing. Allele origin: germline.
Comment: This missense variant replaces serine with glycine at codon 112 of the BRIP1 protein. Computational prediction suggests that this variant may not impact protein structure and function (internally defined REVEL score threshold <= 0.5, PMID: 27666373). To our knowledge, functional studies have not been reported for this variant. This variant has not been reported in individuals affected with BRIP1-related disorders in the literature. This variant has not been identified in the general population by the Genome Aggregation Database (gnomAD). The available evidence is insufficient to determine the role of this variant in disease conclusively. Therefore, this variant is classified as a Variant of Uncertain Significance.